The following is an entry in ClinVar:

ClinVar aggregate classification (germline): Conflicting classifications of pathogenicity. Review status: criteria provided, conflicting classifications (1 of 4 stars). 7 submissions from 7 submitters: Uncertain significance (1); Benign (1); Likely benign (4). 1 of the submissions does not count toward it. Last evaluated 2026-06-01.

Conditions:
Melnick-Needles syndrome (MNS). Also called: MELNICK-NEEDLES OSTEODYSPLASTY; Melnick-Needles Syndrome (FLNA-MNS); OSTEODYSPLASTY OF MELNICK AND NEEDLES. Identifiers: Orphanet 2484, MedGen C0025237, MONDO:0010650, OMIM 309350.
Heterotopia, periventricular, X-linked dominant (PVNH1). Also called: PERIVENTRICULAR NODULAR HETEROTOPIA 4; HETEROTOPIA, PERIVENTRICULAR, 1; X-linked periventricular heterotopia; PERIVENTRICULAR NODULAR HETEROTOPIA 1. Identifiers: Orphanet 2149, Orphanet 82004, MedGen C1848213, MONDO:0010233, OMIM 300049.
Oto-palato-digital syndrome, type II (OPD2). Also called: FACIOPALATOOSSEOUS SYNDROME; Otopalatodigital Syndrome, Type II; Otopalatodigital Syndrome Type 2 (FLNA-OPD2); OPD II SYNDROME. Identifiers: Orphanet 669, Orphanet 90652, MedGen C1844696, MONDO:0010571, OMIM 304120.
Frontometaphyseal dysplasia (FMD1). Identifiers: Orphanet 1826, MedGen C0265293, MONDO:0015942.
FLNA-related disorder.
Familial thoracic aortic aneurysm and aortic dissection (TAAD). Also called: Thoracic aortic aneurysms and dissections. Identifiers: Orphanet 91387, MedGen C4707243, MONDO:0019625.

Allele frequency attached by ClinVar (database versions not stated): gnomAD 0.00004 and 0.00005; gnomAD exomes 0.00004 and 0.00008; ExAC 0.00005; TOPMed 0.00007.

Submissions (7):

CeGaT Center for Human Genetics Tuebingen
Classification: Likely benign. Last evaluated: 2026-06-01. Review status: criteria provided, single submitter. Criteria: CeGaT Center For Human Genetics Tuebingen Variant Classification Criteria Version 2. Collection method: clinical testing. Allele origin: germline. Affected: yes. Observed: 2 variant alleles.
Comment: FLNA: BS2

Labcorp Genetics (formerly Invitae), Labcorp
Classification: Benign for Oto-palato-digital syndrome, type II; Heterotopia, periventricular, X-linked dominant; Frontometaphyseal dysplasia; Melnick-Needles syndrome. Last evaluated: 2026-01-26. Review status: criteria provided, single submitter. Criteria: Invitae Variant Classification Sherloc (09022015). Collection method: clinical testing. Allele origin: germline.

Women's Health and Genetics/Laboratory Corporation of America, LabCorp
Classification: Uncertain significance. Last evaluated: 2025-09-02. Review status: criteria provided, single submitter. Criteria: LabCorp Variant Classification Summary - May 2015. Collection method: clinical testing. Allele origin: germline.
Comment: Variant summary: FLNA c.1451G>A (p.Arg484Gln) results in a conservative amino acid change in the encoded protein sequence. Algorithms developed to predict the effect of missense changes on protein structure and function are either unavailable or do not agree on the potential impact of this missense change. The variant allele was found at a frequency of 7.8e-05 in 179740 control chromosomes (gnomAD). This frequency is not significantly higher than estimated for disease-causing variants in FLNA, allowing no conclusion about variant significance. c.1451G>A has been observed in individuals affected with clinical features of FLNA-related disorders (Fakhro_2019, Gerlevik_2022). These reports do not provide unequivocal conclusions about association of the variant with Periventricular Nodular Heterotopia 1. To our knowledge, no experimental evidence demonstrating an impact on protein function has been reported. The following publications have been ascertained in the context of this evaluation (PMID: 31625567, 35613087). ClinVar contains an entry for this variant (Variation ID: 213520). Based on the evidence outlined above, the variant was classified as uncertain significance.

Ambry Genetics
Classification: Likely benign for Familial thoracic aortic aneurysm and aortic dissection. Last evaluated: 2025-06-20. Review status: criteria provided, single submitter. Criteria: Ambry Variant Classification Scheme 2023. Collection method: clinical testing. Allele origin: germline.

PreventionGenetics, part of Exact Sciences
Classification: Likely benign for FLNA-related condition. Last evaluated: 2024-11-07. Review status: criteria provided, single submitter. Criteria: ACMG Guidelines, 2015. Collection method: clinical testing. Allele origin: germline.
Comment: This variant is classified as likely benign based on ACMG/AMP sequence variant interpretation guidelines (Richards et al. 2015 PMID: 25741868, with internal and published modifications).

GeneDx
Classification: Likely benign. Last evaluated: 2020-08-12. Review status: criteria provided, single submitter. Criteria: GeneDx Variant Classification Process June 2021. Collection method: clinical testing. Allele origin: germline. Affected: yes.
Comment: In silico analysis, which includes protein predictors and evolutionary conservation, supports a deleterious effect; This variant is associated with the following publications: (PMID: 31625567)

Sezerman Lab, Dept of Biostatistics and Bioinformatics, Acibadem Mehmet Ali Aydinlar University
Classification: Likely pathogenic for Heterotopia, periventricular, X-linked dominant. Last evaluated: 2020-10-11. Review status: no assertion criteria provided. Collection method: clinical testing. Allele origin: maternal. Inheritance: X-linked dominant inheritance. Affected: yes. Observed: 3 variant alleles, 1 heterozygote, 2 hemizygotes. Clinical features observed: Seizure (HP:0001250). Not counted in ClinVar's aggregate classification.
Comment: They are diagnosed as periventricular nodular heterotopia (PVNH), which is a cell migration disorder. Heterozygous mother is asymptomatic, and healthy father carries the reference allele. Generally, heterozygous females carrying PVNH-related missense mutations have mild or no symptoms as in the mother. This is the reason of the presence of this variant (rs782371735) in the population databases (e.g. ExAC 0.009%). On the other hand, only a few males (<40) can survive, and they should have compensating mechanisms for the function of FLNA. Therefore, we investigated the etiology of the disease by observing the impact of PVNH-related FLNA mutations found in the liveborn males on the structure and dynamics of FLNA protein via molecular dynamics (MD) simulations. For the p.Arg484Gln variant, MD studies showed that the mutation does not lead to a general misfolding or permanent loss of function. Instead, it may cause a temporary dysfunction since we observed significant changes in the fluctuations (higher), solvent-accessible surface area (lower), conformational space and local interactions (i.e. H-bonds and salt bridges within 10 Ã… of the mutation site) in the half of the MD simulations. This event might lead to formation of nodules in the periventricular region and might also compensate the cell migration function. Thus, the males who have this variant can survive with the only copy of mutated FLNA.

Literature cited by the submitters: PubMed 31625567 (cited by Women's Health and Genetics/Laboratory Corporation of America, LabCorp); PubMed 35613087 (cited by Women's Health and Genetics/Laboratory Corporation of America, LabCorp).

NM_001110556.2(FLNA):c.1451G>A (p.Arg484Gln)

Gene: FLNA (filamin A; minus strand). Cytogenetic location: Xq28.
Variant type: single nucleotide variant.
Coding change: c.1451G>A on transcript NM_001110556.2 (MANE Select); coding-DNA position 1451, G replaced by A.
Protein change: p.Arg484Gln; replaces arginine 484 with glutamine.
Molecular consequence: missense variant.
Genome position (GRCh38, 1-based): chrX:154,365,465, C>T on the plus strand (G>A on the coding strand, the complement: FLNA is on the minus strand). VCF-style: chrX-154365465-C-T. GRCh37 (hg19) VCF-style: chrX-153593833-C-T.
Other names: p.R484Q:CGG>CAG; c.1451G>A, p.Arg484Gln (NM_001456.4); c.1451G>A (NM_001110556.1); short protein forms R484Q.
Identifiers: ClinVar variation 213520 (VCV000213520.27), dbSNP rs782371735, ClinGen allele CA323155.